The following is an entry in ClinVar:

ClinVar aggregate classification (germline): Uncertain significance. Review status: criteria provided, multiple submitters, no conflicts (2 of 4 stars). 2 submissions from 2 submitters: Uncertain significance (2). Last evaluated 2025-10-22.

Conditions:
Hereditary cancer-predisposing syndrome. Also called: Tumor predisposition; Neoplastic Syndromes, Hereditary; Hereditary neoplastic syndrome; Hereditary Cancer Syndrome. Identifiers: Orphanet 140162, MedGen C0027672, MeSH D009386, MONDO:0015356.

Submissions (2):

Ambry Genetics
Classification: Uncertain significance for Hereditary cancer-predisposing syndrome. Last evaluated: 2025-10-22. Review status: criteria provided, single submitter. Criteria: Ambry Variant Classification Scheme 2023. Collection method: clinical testing. Allele origin: germline.
Comment: The p.L921I variant (also known as c.2761C>A), located in coding exon 24 of the TSC2 gene, results from a C to A substitution at nucleotide position 2761. The leucine at codon 921 is replaced by isoleucine, an amino acid with highly similar properties. This amino acid position is conserved. In addition, the in silico prediction for this alteration is inconclusive. Since supporting evidence is limited at this time, the clinical significance of this alteration remains unclear.

GeneDx
Classification: Uncertain significance. Last evaluated: 2023-12-01. Review status: criteria provided, single submitter. Criteria: GeneDx Variant Classification Process June 2021. Collection method: clinical testing. Allele origin: germline. Affected: yes.
Comment: Not observed at significant frequency in large population cohorts (gnomAD); In silico analysis supports that this missense variant does not alter protein structure/function; Has not been previously published as pathogenic or benign to our knowledge

NM_000548.5(TSC2):c.2761C>A (p.Leu921Ile)

Gene: TSC2 (TSC complex subunit 2; plus strand). Cytogenetic location: 16p13.3.
Variant type: single nucleotide variant.
Coding change: c.2761C>A on transcript NM_000548.5 (MANE Select); coding-DNA position 2761, C replaced by A.
Protein change: p.Leu921Ile; replaces leucine 921 with isoleucine.
Molecular consequence: missense variant. On other transcripts: non-coding transcript variant (5).
Genome position (GRCh38, 1-based): chr16:2,076,509, C>A. VCF-style: chr16-2076509-C-A. GRCh37 (hg19) VCF-style: chr16-2126510-C-A.
Other names: c.1417C>A, p.Leu473Ile (NM_001406696.1, NM_001406689.1, NM_001406690.1 and 6 more transcripts); c.2761C>A, p.Leu921Ile (NM_001077183.3, NM_001114382.3, NM_001363528.2 and 6 more transcripts); c.2650C>A, p.Leu884Ile (NM_001318827.2, NM_001406670.1, NM_001406678.1); c.2614C>A, p.Leu872Ile (NM_001318829.2, NM_001406675.1, NM_001406676.1 and 1 more transcripts); c.2161C>A, p.Leu721Ile (NM_001318831.2, NM_001406680.1, NM_001406682.1 and 6 more transcripts); c.2794C>A, p.Leu932Ile (NM_001318832.2); c.2851C>A, p.Leu951Ile (NM_001406667.1, NM_001406668.1); c.2749C>A, p.Leu917Ile (NM_001406671.1, NM_001406673.1); and 3 more; short protein forms L387I, L473I, L721I, L767I, L872I, L884I, L902I, L917I.
Identifiers: ClinVar variation 3365131 (VCV003365131.2).